The following is an entry in ClinVar:

NM_198173.3(GRHL3):c.1419+1G>A

Gene: GRHL3 (grainyhead like transcription factor 3; plus strand). Cytogenetic location: 1p36.11.
Variant type: single nucleotide variant.
Coding change: c.1419+1G>A on transcript NM_198173.3 (MANE Select); the canonical splice donor site of the intron after coding-DNA position 1419, G replaced by A.
Molecular consequence: splice donor variant.
Genome position (GRCh38, 1-based): chr1:24,343,026, G>A. VCF-style: chr1-24343026-G-A. GRCh37 (hg19) VCF-style: chr1-24669516-G-A.
Other names: c.1419+1G>A (NM_198174.3); c.1281+1G>A (NM_001195010.2); c.1434+1G>A (NM_021180.4).
Identifiers: ClinVar variation 1068818 (VCV001068818.9), dbSNP rs879255244, ClinGen allele CA339048841.

ClinVar aggregate classification (germline): Pathogenic (1 of 4 stars; one submission).

Conditions:
Van der Woude syndrome 2 (VWS2). Identifiers: Orphanet 888, MedGen C1847604, MONDO:0011712, OMIM 606713.

Submission:

Labcorp Genetics (formerly Invitae), Labcorp
Classification: Pathogenic for Van der Woude syndrome 2. Last evaluated: 2020-03-20. Review status: criteria provided, single submitter. Criteria: Invitae Variant Classification Sherloc (09022015). Collection method: clinical testing. Allele origin: germline.
Comment: This sequence change affects a donor splice site in intron 11 of the GRHL3 gene. It is expected to disrupt RNA splicing and likely results in an absent or disrupted protein product. This variant is not present in population databases (ExAC no frequency). This variant has been observed in individual(s) with van der Woude Syndrome (PMID: 24360809). It has also been observed to segregate with disease in related individuals. This variant is also known as NM_198174.2:c.1419+1G>A in the literature. Algorithms developed to predict the effect of sequence changes on RNA splicing suggest that this variant may disrupt the consensus splice site, but this prediction has not been confirmed by published transcriptional studies. Donor and acceptor splice site variants typically lead to a loss of protein function (PMID: 16199547), and loss-of-function variants in GRHL3 are known to be pathogenic (PMID: 22590528, 22829784, 24360809). For these reasons, this variant has been classified as Pathogenic.

Literature cited by the submitters: PubMed 24360809; PubMed 16199547; PubMed 22590528; PubMed 22829784.